The following is an entry in ClinVar:

NM_001904.4(CTNNB1):c.1588C>T (p.Gln530Ter)

Genes: CTNNB1 (catenin beta 1; plus strand), LOC126806659 (BRD4-independent group 4 enhancer GRCh37_chr3:41274918-41276117; plus strand). Cytogenetic location: 3p22.1.
Variant type: single nucleotide variant.
Coding change: c.1588C>T on transcript NM_001904.4 (MANE Select); coding-DNA position 1588, C replaced by T.
Protein change: p.Gln530Ter; replaces glutamine 530 with a stop codon.
Molecular consequence: nonsense.
Genome position (GRCh38, 1-based): chr3:41,234,202, C>T. VCF-style: chr3-41234202-C-T. GRCh37 (hg19) VCF-style: chr3-41275693-C-T.
Other names: c.1588C>T, p.Gln530Ter (NM_001098209.2, NM_001098210.2); c.1567C>T, p.Gln523Ter (NM_001330729.2); short protein forms Q530*, Q523*.
Identifiers: ClinVar variation 598768 (VCV000598768.3), dbSNP rs1559474966, ClinGen allele CA352234198.

ClinVar aggregate classification (germline): Pathogenic. Review status: criteria provided, multiple submitters, no conflicts (2 of 4 stars). 3 submissions from 3 submitters: Pathogenic (3). Last evaluated 2026-02-18.

Conditions:
Severe intellectual disability-progressive spastic diplegia syndrome (NEDSDV). Also called: NEURODEVELOPMENTAL DISORDER WITH SPASTIC DIPLEGIA AND VISUAL DEFECTS; CTNNB1 Neurodevelopmental Disorder. Identifiers: Orphanet 404473, MedGen C3554449, MONDO:0014035, OMIM 615075.

Submissions (3):

GeneDx
Classification: Pathogenic. Last evaluated: 2026-02-18. Review status: criteria provided, single submitter. Criteria: GeneDx Variant Classification Process June 2021. Collection method: clinical testing. Allele origin: germline.
Comment: Nonsense variant predicted to result in protein truncation or nonsense mediated decay in a gene for which loss of function is a known mechanism of disease; Not observed at significant frequency in large population cohorts (gnomAD); This variant is associated with the following publications: (PMID: 34946966)

Greenwood Genetic Center Diagnostic Laboratories, Greenwood Genetic Center
Classification: Pathogenic for Severe intellectual disability-progressive spastic diplegia syndrome. Last evaluated: 2024-10-01. Review status: criteria provided, single submitter. Criteria: ACMG Guidelines, 2015. Collection method: clinical testing. Allele origin: germline. Affected: yes.
Comment: PVS1, PS4_Supporting, PM2, PM6

MVZ Martinsried, Medicover Genetics
Classification: Pathogenic for Severe intellectual disability-progressive spastic diplegia syndrome. Last evaluated: 2018-07-13. Review status: criteria provided, single submitter. Criteria: ACMG Guidelines, 2015. Collection method: clinical testing. Allele origin: de novo. Affected: yes.